The following is an entry in ClinVar:

NM_001145026.2(PTPRQ):c.3813T>C (p.Gly1271=)

Gene: PTPRQ (protein tyrosine phosphatase receptor type Q; plus strand). Cytogenetic location: 12q21.31.
Variant type: single nucleotide variant.
Coding change: c.3813T>C on transcript NM_001145026.2 (MANE Select); coding-DNA position 3813, T replaced by C.
Protein change: p.Gly1271=; no amino-acid change (glycine 1271 retained).
Molecular consequence: synonymous variant.
Genome position (GRCh38, 1-based): chr12:80,542,821, T>C. VCF-style: chr12-80542821-T-C. GRCh37 (hg19) VCF-style: chr12-80936600-T-C.
Identifiers: ClinVar variation 3345515 (VCV003345515.1).

ClinVar aggregate classification (germline): Likely benign (0 of 4 stars; one submission).

Conditions:
PTPRQ-related disorder. Also called: PTPRQ-related condition.

gnomAD v4.1: 3 of 1,548,434 alleles (0.00019%); highest among the groups gnomAD compares: African/African-American, 0.0041%; no homozygotes.

Submission:

PreventionGenetics, part of Exact Sciences
Classification: Likely benign for PTPRQ-related condition. Last evaluated: 2024-05-08. Review status: no assertion criteria provided. Collection method: clinical testing. Allele origin: germline.
Comment: This variant is classified as likely benign based on ACMG/AMP sequence variant interpretation guidelines (Richards et al. 2015 PMID: 25741868, with internal and published modifications).